The following is an entry in ClinVar:

NM_000070.3(CAPN3):c.966T>A (p.Tyr322Ter)

Gene: CAPN3 (calpain 3; plus strand). Cytogenetic location: 15q15.1.
Variant type: single nucleotide variant.
Coding change: c.966T>A on transcript NM_000070.3 (MANE Select); coding-DNA position 966, T replaced by A.
Protein change: p.Tyr322Ter; replaces tyrosine 322 with a stop codon.
Molecular consequence: nonsense.
Genome position (GRCh38, 1-based): chr15:42,392,659, T>A. VCF-style: chr15-42392659-T-A. GRCh37 (hg19) VCF-style: chr15-42684857-T-A.
Other names: c.966T>A, p.Tyr322Ter (NM_024344.2); c.822T>A, p.Tyr274Ter (NM_173087.2); short protein forms Y274*, Y322*.
Identifiers: ClinVar variation 1325395 (VCV001325395.7), dbSNP rs2141176797, ClinGen allele CA391998779.

ClinVar aggregate classification (germline): Pathogenic. Review status: criteria provided, multiple submitters, no conflicts (2 of 4 stars). 3 submissions from 3 submitters: Pathogenic (3). Last evaluated 2025-01-15.

Conditions:
Autosomal recessive limb-girdle muscular dystrophy. Identifiers: Orphanet 102015, MedGen C2931907, MONDO:0015152.
Muscular dystrophy, limb-girdle, autosomal dominant 4. Also called: MUSCULAR DYSTROPHY, LIMB-GIRDLE, TYPE 1I; Calpain-3-related limb-girdle muscular dystrophy D4. Identifiers: Orphanet 565909, MedGen C4748295, MONDO:0029133, OMIM 618129.

Submissions (3):

Women's Health and Genetics/Laboratory Corporation of America, LabCorp
Classification: Pathogenic for Autosomal recessive limb-girdle muscular dystrophy. Last evaluated: 2025-01-15. Review status: criteria provided, single submitter. Criteria: LabCorp Variant Classification Summary - May 2015. Collection method: clinical testing. Allele origin: germline.
Comment: Variant summary: CAPN3 c.966T>A (p.Tyr322X) results in a premature termination codon, predicted to cause a truncation of the encoded protein or absence of the protein due to nonsense mediated decay, which are commonly known mechanisms for disease. The variant was absent in 251248 control chromosomes. c.966T>A has been reported in the literature in at least one individual affected with Limb-Girdle Muscular Dystrophy (Senz_2005). These report(s) do not provide unequivocal conclusions about association of the variant with Limb-Girdle Muscular Dystrophy, Autosomal Recessive. To our knowledge, no experimental evidence demonstrating an impact on protein function has been reported. The following publication have been ascertained in the context of this evaluation (PMID: 15689361). ClinVar contains an entry for this variant (Variation ID: 1325395). Based on the evidence outlined above, the variant was classified as pathogenic.

Baylor Genetics
Classification: Pathogenic for Muscular dystrophy, limb-girdle, autosomal dominant 4. Last evaluated: 2022-11-01. Review status: criteria provided, single submitter. Criteria: ACMG Guidelines, 2015. Collection method: clinical testing. Allele origin: unknown.

Revvity Omics, Revvity
Classification: Pathogenic. Last evaluated: 2019-02-26. Review status: criteria provided, single submitter. Criteria: ACMG Guidelines, 2015. Collection method: clinical testing. Allele origin: germline.

Literature cited by the submitters: PubMed 15689361 (cited by Women's Health and Genetics/Laboratory Corporation of America, LabCorp).